The following is an entry in ClinVar:

ClinVar aggregate classification (germline): Uncertain significance (1 of 4 stars; one submission).

Conditions:
RASopathy. Also called: rasopathies; Noonan spectrum disorder. Identifiers: Orphanet 536391, MedGen C5555857, MONDO:0021060.

Submission:

Labcorp Genetics (formerly Invitae), Labcorp
Classification: Uncertain significance for RASopathy. Last evaluated: 2024-09-05. Review status: criteria provided, single submitter. Criteria: Invitae Variant Classification Sherloc (09022015). Collection method: clinical testing. Allele origin: germline.
Comment: This sequence change replaces histidine, which is basic and polar, with arginine, which is basic and polar, at codon 442 of the SHOC2 protein (p.His442Arg). This variant is present in population databases (rs139875485, gnomAD 0.0009%). This variant has not been reported in the literature in individuals affected with SHOC2-related conditions. Invitae Evidence Modeling of protein sequence and biophysical properties (such as structural, functional, and spatial information, amino acid conservation, physicochemical variation, residue mobility, and thermodynamic stability) indicates that this missense variant is not expected to disrupt SHOC2 protein function with a negative predictive value of 80%. In summary, the available evidence is currently insufficient to determine the role of this variant in disease. Therefore, it has been classified as a Variant of Uncertain Significance.

NM_007373.4(SHOC2):c.1325A>G (p.His442Arg)

Gene: SHOC2 (SHOC2 leucine rich repeat scaffold protein; plus strand). Cytogenetic location: 10q25.2.
Variant type: single nucleotide variant.
Coding change: c.1325A>G on transcript NM_007373.4 (MANE Select); coding-DNA position 1325, A replaced by G.
Protein change: p.His442Arg; replaces histidine 442 with arginine.
Molecular consequence: missense variant. On other transcripts: non-coding transcript variant (1).
Genome position (GRCh38, 1-based): chr10:111,009,288, A>G. VCF-style: chr10-111009288-A-G. GRCh37 (hg19) VCF-style: chr10-112769046-A-G.
Other names: c.1187A>G, p.His396Arg (NM_001269039.3); c.1325A>G, p.His442Arg (NM_001324336.2, NM_001324337.2); short protein forms H442R, H396R.
Identifiers: ClinVar variation 3705419 (VCV003705419.2).
Genomic context (GRCh38, chr10:111,009,288, plus strand): 5'-TATCAATAATTTCTCATTAGGTTCTTATCTTATCAAACAATCTTCTAAAGAAGCTTCCCC[A>G]TGGTCTTGGAAACCTTAGGAAGTTAAGAGAGTTGGATCTAGAAGAGAACAAATTGGAATC-3'
Protein context (NP_031399.2, residues 432-452): LSNNLLKKLP[His442Arg]GLGNLRKLRE